The following is an entry in ClinVar:

ClinVar aggregate classification (germline): Uncertain significance (0 of 4 stars; one submission).

Conditions:
NCOA1-related disorder. Also called: NCOA1-related condition.

gnomAD v4.1: 3 of 1,614,184 alleles (0.00019%); highest among the groups gnomAD compares: Non-Finnish European, 0.00025%; no homozygotes.

Submission:

PreventionGenetics, part of Exact Sciences
Classification: Uncertain significance for NCOA1-related condition. Last evaluated: 2024-07-08. Review status: no assertion criteria provided. Collection method: clinical testing. Allele origin: germline.
Comment: The NCOA1 c.2240A>G variant is predicted to result in the amino acid substitution p.Gln747Arg. To our knowledge, this variant has not been reported in the literature or in a large population database, indicating this variant is rare. At this time, the clinical significance of this variant is uncertain due to the absence of conclusive functional and genetic evidence.

NM_003743.5(NCOA1):c.2240A>G (p.Gln747Arg)

Gene: NCOA1 (nuclear receptor coactivator 1; plus strand). Cytogenetic location: 2p23.3.
Variant type: single nucleotide variant.
Coding change: c.2240A>G on transcript NM_003743.5 (MANE Select); coding-DNA position 2240, A replaced by G.
Protein change: p.Gln747Arg; replaces glutamine 747 with arginine.
Molecular consequence: missense variant.
Genome position (GRCh38, 1-based): chr2:24,707,710, A>G. VCF-style: chr2-24707710-A-G. GRCh37 (hg19) VCF-style: chr2-24930579-A-G.
Other names: c.2240A>G, p.Gln747Arg (NM_001362950.1, NM_001362952.1, NM_001362954.1 and 3 more transcripts); short protein forms Q747R.
Identifiers: ClinVar variation 3346453 (VCV003346453.1).
Genomic context (GRCh38, chr2:24,707,710, plus strand): 5'-GAAACTCCAGTATAAAACTAGAACTGGATGCTTCAAAGAAAAAAGAATCAAAAGACCATC[A>G]GCTCCTACGCTATCTTTTAGATAAAGATGAGAAAGATTTAAGATCAACTCCAAACCTGAG-3'
Protein context (NP_003734.3, residues 737-757): ASKKKESKDH[Gln747Arg]LLRYLLDKDE